The following is an entry in ClinVar:

NM_032656.4(DHX37):c.1582C>T (p.Arg528Trp)

Gene: DHX37 (DEAH-box helicase 37; minus strand). Cytogenetic location: 12q24.31.
Variant type: single nucleotide variant.
Coding change: c.1582C>T on transcript NM_032656.4 (MANE Select); coding-DNA position 1582, C replaced by T.
Protein change: p.Arg528Trp; replaces arginine 528 with tryptophan.
Molecular consequence: missense variant.
Genome position (GRCh38, 1-based): chr12:124,966,801, G>A on the plus strand (C>T on the coding strand, the complement: DHX37 is on the minus strand). VCF-style: chr12-124966801-G-A. GRCh37 (hg19) VCF-style: chr12-125451347-G-A.
Other names: short protein forms R528W.
Identifiers: ClinVar variation 1700729 (VCV001700729.3), dbSNP rs140218998, ClinGen allele CA6871967.
Genomic context (GRCh38, chr12:124,966,801, plus strand): 5'-CCTGGACAACGCAGCCTTACTCTCCAGGAGTCCCTGCCAGCCCCCCACGTACCTCAGCCC[G>A]CGCCTTCTTGGCCCTGGCCCTTGACTTCTTAAACTTCCGCATTTCCTCCACCGAGTCTTT-3'
Protein context (NP_116045.2, residues 518-538): KKSRARAKKA[Arg528Trp]AEVLPQINLD

ClinVar aggregate classification (germline): Uncertain significance (1 of 4 stars; one submission).

Allele frequency attached by ClinVar (database versions not stated): gnomAD 0.00005 and 0.00006; ESP Exome Variant Server 0.00031.
gnomAD v4.1: 25 of 1,614,104 alleles (0.0015%); highest among the groups gnomAD compares: African/African-American, 0.019%; no homozygotes.

Submission:

GeneDx
Classification: Uncertain significance. Last evaluated: 2024-07-08. Review status: criteria provided, single submitter. Criteria: GeneDx Variant Classification Process June 2021. Collection method: clinical testing. Allele origin: germline. Affected: yes.
Comment: In silico analysis indicates that this missense variant does not alter protein structure/function; Has not been previously published as pathogenic or benign to our knowledge